The following is an entry in ClinVar:

ClinVar aggregate classification (germline): Conflicting classifications of pathogenicity. Review status: criteria provided, conflicting classifications (1 of 4 stars). 2 submissions from 2 submitters: Uncertain significance (1); Likely benign (1). Last evaluated 2021-01-21.

Conditions:
Developmental and epileptic encephalopathy, 19 (DEE19). Also called: Epileptic encephalopathy, early infantile, 19. Identifiers: Orphanet 33069, MedGen C3810400, MONDO:0014328, OMIM 615744.

Allele frequency attached by ClinVar (database versions not stated): 1000 Genomes Project 0.00020; gnomAD 0.00023 and 0.00026; 1000 Genomes Project 30x 0.00031; TOPMed 0.00062.
gnomAD v4.1: 37 of 152,198 alleles (0.024%); highest among the groups gnomAD compares: Admixed American, 0.18%; no homozygotes.

Submissions (2):

New York Genome Center
Classification: Uncertain significance for Developmental and epileptic encephalopathy, 19. Last evaluated: 2021-01-21. Review status: criteria provided, single submitter. Criteria: NYGC Assertion Criteria 2020. Collection method: clinical testing. Allele origin: germline. Observed: 1 heterozygote. Study: CSER-NYCKidSeq.

GeneDx
Classification: Likely benign. Last evaluated: 2018-02-16. Review status: criteria provided, single submitter. Criteria: GeneDx Variant Classification (06012015). Collection method: clinical testing. Allele origin: germline. Affected: yes.
Comment: This variant is considered likely benign or benign based on one or more of the following criteria: it is a conservative change, it occurs at a poorly conserved position in the protein, it is predicted to be benign by multiple in silico algorithms, and/or has population frequency not consistent with disease.

NM_001127644.2(GABRA1):c.-258T>C

Gene: GABRA1 (gamma-aminobutyric acid type A receptor subunit alpha1; plus strand). Cytogenetic location: 5q34.
Variant type: single nucleotide variant.
Coding change: c.-258T>C on transcript NM_001127644.2 (MANE Select); 258 bases upstream of the start codon, T replaced by C.
Molecular consequence: 5 prime UTR variant. On other transcripts: intron variant (2).
Genome position (GRCh38, 1-based): chr5:161,848,180, T>C. VCF-style: chr5-161848180-T-C. GRCh37 (hg19) VCF-style: chr5-161275186-T-C.
Other names: c.-247-11T>C (NM_000806.5, NM_001127643.2).
Identifiers: ClinVar variation 516091 (VCV000516091.2), dbSNP rs183280626, ClinGen allele CA131081741.